The following is an entry in ClinVar:

NM_006767.4(LZTR1):c.1859T>C (p.Leu620Pro)

Gene: LZTR1 (leucine zipper like post translational regulator 1; plus strand). Cytogenetic location: 22q11.21.
Variant type: single nucleotide variant.
Coding change: c.1859T>C on transcript NM_006767.4 (MANE Select); coding-DNA position 1859, T replaced by C.
Protein change: p.Leu620Pro; replaces leucine 620 with proline.
Molecular consequence: missense variant.
Genome position (GRCh38, 1-based): chr22:20,994,943, T>C. VCF-style: chr22-20994943-T-C. GRCh37 (hg19) VCF-style: chr22-21349232-T-C.
Other names: short protein forms L620P.
Identifiers: ClinVar variation 1781462 (VCV001781462.6), dbSNP rs2518622474, ClinGen allele CA410778613.

ClinVar aggregate classification (germline): Uncertain significance. Review status: criteria provided, multiple submitters, no conflicts (2 of 4 stars). 3 submissions from 3 submitters: Uncertain significance (3). Last evaluated 2024-03-22.

Conditions:
Hereditary cancer-predisposing syndrome. Also called: Neoplastic Syndromes, Hereditary; Tumor predisposition; Hereditary Cancer Syndrome; Hereditary neoplastic syndrome. Identifiers: Orphanet 140162, MedGen C0027672, MeSH D009386, MONDO:0015356.
Cardiovascular phenotype. Identifiers: MedGen CN230736.
LZTR1-related schwannomatosis. Also called: Schwannomatosis-2, susceptibility to; Schwannomatosis 2. Identifiers: Orphanet 93921, MedGen C3810283, MONDO:0014299, OMIM 615670.

Allele frequency attached by ClinVar (database versions not stated): gnomAD exomes below 0.00001.
gnomAD v4.1: 1 of 1,613,228 alleles (0.000062%); highest among the groups gnomAD compares: Non-Finnish European, 0.000085%; no homozygotes.

Submissions (3):

Baylor Genetics
Classification: Uncertain significance for LZTR1-related schwannomatosis. Last evaluated: 2024-03-22. Review status: criteria provided, single submitter. Criteria: ACMG Guidelines, 2015. Collection method: clinical testing. Allele origin: unknown.

Labcorp Genetics (formerly Invitae), Labcorp
Classification: Uncertain significance. Last evaluated: 2023-01-21. Review status: criteria provided, single submitter. Criteria: Invitae Variant Classification Sherloc (09022015). Collection method: clinical testing. Allele origin: germline.
Comment: This sequence change replaces leucine, which is neutral and non-polar, with proline, which is neutral and non-polar, at codon 620 of the LZTR1 protein (p.Leu620Pro). This variant is not present in population databases (gnomAD no frequency). This variant has not been reported in the literature in individuals affected with LZTR1-related conditions. ClinVar contains an entry for this variant (Variation ID: 1781462). Advanced modeling of protein sequence and biophysical properties (such as structural, functional, and spatial information, amino acid conservation, physicochemical variation, residue mobility, and thermodynamic stability) performed at Invitae indicates that this missense variant is not expected to disrupt LZTR1 protein function. In summary, the available evidence is currently insufficient to determine the role of this variant in disease. Therefore, it has been classified as a Variant of Uncertain Significance.

Ambry Genetics
Classification: Uncertain significance for Cardiovascular phenotype; Hereditary cancer-predisposing syndrome. Last evaluated: 2022-06-27. Review status: criteria provided, single submitter. Criteria: Ambry Variant Classification Scheme 2023. Collection method: clinical testing. Allele origin: germline.
Comment: The p.L620P variant (also known as c.1859T>C), located in coding exon 16 of the LZTR1 gene, results from a T to C substitution at nucleotide position 1859. The leucine at codon 620 is replaced by proline, an amino acid with similar properties. This amino acid position is conserved. In addition, this alteration is predicted to be deleterious by in silico analysis. Since supporting evidence is limited at this time, the clinical significance of this alteration remains unclear.